The following is an entry in ClinVar:

NM_001558.4(IL10RA):c.1408A>G (p.Thr470Ala)

Gene: IL10RA (interleukin 10 receptor subunit alpha; plus strand). Cytogenetic location: 11q23.3.
Variant type: single nucleotide variant.
Coding change: c.1408A>G on transcript NM_001558.4 (MANE Select); coding-DNA position 1408, A replaced by G.
Protein change: p.Thr470Ala; replaces threonine 470 with alanine.
Molecular consequence: missense variant. On other transcripts: non-coding transcript variant (1).
Genome position (GRCh38, 1-based): chr11:117,999,312, A>G. VCF-style: chr11-117999312-A-G. GRCh37 (hg19) VCF-style: chr11-117870027-A-G.
Other names: short protein forms T470A.
Identifiers: ClinVar variation 1347925 (VCV001347925.8), dbSNP rs528243258, ClinGen allele CA382781122.

ClinVar aggregate classification (germline): Uncertain significance (1 of 4 stars; one submission).

Conditions:
Inflammatory bowel disease 28. Also called: Inflammatory bowel disease 28, early onset, autosomal recessive. Identifiers: Orphanet 238569, MedGen C2751053, MONDO:0013153, OMIM 613148.

Allele frequency attached by ClinVar (database versions not stated): TOPMed below 0.00001; gnomAD 0.00001.
gnomAD v4.1: 2 of 1,614,084 alleles (0.00012%); highest among the groups gnomAD compares: Non-Finnish European, 0.00017%; no homozygotes.

Submission:

Labcorp Genetics (formerly Invitae), Labcorp
Classification: Uncertain significance for Inflammatory bowel disease 28. Last evaluated: 2022-07-30. Review status: criteria provided, single submitter. Criteria: Invitae Variant Classification Sherloc (09022015). Collection method: clinical testing. Allele origin: germline.
Comment: In summary, the available evidence is currently insufficient to determine the role of this variant in disease. Therefore, it has been classified as a Variant of Uncertain Significance. Algorithms developed to predict the effect of missense changes on protein structure and function output the following: SIFT: "Tolerated"; PolyPhen-2: "Benign"; Align-GVGD: "Class C0". The alanine amino acid residue is found in multiple mammalian species, which suggests that this missense change does not adversely affect protein function. ClinVar contains an entry for this variant (Variation ID: 1347925). This variant has not been reported in the literature in individuals affected with IL10RA-related conditions. This variant is not present in population databases (gnomAD no frequency). This sequence change replaces threonine, which is neutral and polar, with alanine, which is neutral and non-polar, at codon 470 of the IL10RA protein (p.Thr470Ala).